The following is an entry in ClinVar:

NM_000059.4(BRCA2):c.6455C>A (p.Ser2152Tyr)

Gene: BRCA2 (BRCA2 DNA repair associated; plus strand). Cytogenetic location: 13q13.1.
Variant type: single nucleotide variant.
Coding change: c.6455C>A on transcript NM_000059.4 (MANE Select); coding-DNA position 6455, C replaced by A.
Protein change: p.Ser2152Tyr; replaces serine 2152 with tyrosine.
Molecular consequence: missense variant.
Genome position (GRCh38, 1-based): chr13:32,340,810, C>A. VCF-style: chr13-32340810-C-A. GRCh37 (hg19) VCF-style: chr13-32914947-C-A.
Other names: p.S2152Y:TCT>TAT; 6683C>A; short protein forms S2152Y.
Identifiers: ClinVar variation 52108 (VCV000052108.36), dbSNP rs80358881, ClinGen allele CA024071.

ClinVar aggregate classification (germline): Benign. Review status: reviewed by expert panel (3 of 4 stars). 16 submissions from 16 submitters: Benign (1). 15 of the submissions do not count toward it. Last evaluated 2019-06-18.

Conditions:
Inherited breast cancer and ovarian cancer.
Breast and/or ovarian cancer. Identifiers: MedGen CN221562.
Hereditary cancer-predisposing syndrome. Also called: Hereditary Cancer Syndrome; Neoplastic Syndromes, Hereditary; Hereditary neoplastic syndrome; Tumor predisposition. Identifiers: Orphanet 140162, MedGen C0027672, MeSH D009386, MONDO:0015356.
Hereditary breast ovarian cancer syndrome. Also called: Breast and ovarian cancer; Hereditary breast and ovarian cancer syndrome; Hereditary breast and ovarian cancer syndrome (HBOC); BRCA1- and BRCA2-Associated Hereditary Breast and Ovarian Cancer; Hereditary breast and ovarian cancer; Hereditary breast and/or ovarian cancer syndrome. Identifiers: Orphanet 145, MedGen C0677776, MeSH D061325, MONDO:0003582. Disease mechanism: loss of function.
Breast-ovarian cancer, familial, susceptibility to, 2 (BROVCA2). Also called: BRCA2 Hereditary Breast and Ovarian Cancer. Identifiers: Orphanet 145, MedGen C2675520, MONDO:0012933, OMIM 612555. Disease mechanism: loss of function.

Allele frequency attached by ClinVar (database versions not stated): gnomAD 0.00023 and 0.00024; ExAC 0.00035; TOPMed 0.00001; gnomAD exomes 0.00013 and 0.00035.
gnomAD v4.1: 217 of 1,589,258 alleles (0.014%); highest among the groups gnomAD compares: Non-Finnish European, 0.0058%; no homozygotes.

Submissions (16):

Evidence-based Network for the Interpretation of Germline Mutant Alleles (ENIGMA)
Classification: Benign for Breast-ovarian cancer, familial, susceptibility to, 2. Last evaluated: 2019-06-18. Review status: reviewed by expert panel. Criteria: ENIGMA BRCA1/2 Classification Criteria (2017-06-29). Collection method: curation. Allele origin: germline.
Comment: IARC class based on posterior probability from multifactorial likelihood analysis, thresholds for class as per Plon et al. 2008 (PMID: 18951446). Class 1 based on posterior probability = 0.000032

Cambridge Genomics Laboratory, East Genomic Laboratory Hub, NHS Genomic Medicine Service
Classification: Benign for Inherited breast cancer and ovarian cancer. Last evaluated: 2026-10-13. Review status: criteria provided, single submitter. Criteria: ACGS Best Practice Guidelines for Variant Classification in Rare Disease 2020. Collection method: clinical testing. Allele origin: germline. Affected: yes. Not counted in ClinVar's aggregate classification.
Comment: BS3_Strong,BP1_Strong,BP5_Very Strong

Labcorp Genetics (formerly Invitae), Labcorp
Classification: Benign for Hereditary breast ovarian cancer syndrome. Last evaluated: 2026-02-03. Review status: criteria provided, single submitter. Criteria: Invitae Variant Classification Sherloc (09022015). Collection method: clinical testing. Allele origin: germline. Not counted in ClinVar's aggregate classification.

Center for Genomic Medicine, Rigshospitalet, Copenhagen University Hospital
Classification: Benign. Last evaluated: 2025-03-04. Review status: criteria provided, single submitter. Criteria: ACMG Guidelines, 2015. Collection method: clinical testing. Allele origin: germline. Not counted in ClinVar's aggregate classification.

Quest Diagnostics Nichols Institute San Juan Capistrano
Classification: Benign. Last evaluated: 2024-10-31. Review status: criteria provided, single submitter. Criteria: Quest Diagnostics criteria. Collection method: clinical testing. Allele origin: unknown. Not counted in ClinVar's aggregate classification.

Blueprint Genetics
Classification: Likely benign. Last evaluated: 2024-09-15. Review status: criteria provided, single submitter. Criteria: ACMG Guidelines, 2015. Collection method: clinical testing. Allele origin: germline. Not counted in ClinVar's aggregate classification.

CHEO Genetics Diagnostic Laboratory, Children's Hospital of Eastern Ontario
Classification: Likely benign for Breast and/or ovarian cancer. Last evaluated: 2022-03-14. Review status: criteria provided, single submitter. Criteria: ACMG Guidelines, 2015. Collection method: clinical testing. Allele origin: germline. Not counted in ClinVar's aggregate classification.

Sema4
Classification: Likely benign for Hereditary cancer-predisposing syndrome. Last evaluated: 2021-12-14. Review status: criteria provided, single submitter. Criteria: Sema4 Curation Guidelines. Collection method: curation. Allele origin: germline. Not counted in ClinVar's aggregate classification.

GeneDx
Classification: Likely benign. Last evaluated: 2020-10-13. Review status: criteria provided, single submitter. Criteria: GeneDx Variant Classification Process June 2021. Collection method: clinical testing. Allele origin: germline. Affected: yes. Not counted in ClinVar's aggregate classification.
Comment: This variant is associated with the following publications: (PMID: 24326041, 21520273, 20104584, 26733283, 20167696, 10923033, 22476429, 31131967)

Ambry Genetics
Classification: Likely benign for Hereditary cancer-predisposing syndrome. Last evaluated: 2018-10-12. Review status: criteria provided, single submitter. Criteria: Ambry Variant Classification Scheme 2023. Collection method: clinical testing. Allele origin: germline. Not counted in ClinVar's aggregate classification.

PreventionGenetics, part of Exact Sciences
Classification: Likely benign. Last evaluated: 2017-11-20. Review status: criteria provided, single submitter. Criteria: ACMG Guidelines, 2015. Collection method: clinical testing. Allele origin: germline. Not counted in ClinVar's aggregate classification.

Women's Health and Genetics/Laboratory Corporation of America, LabCorp
Classification: Benign. Last evaluated: 2016-10-03. Review status: criteria provided, single submitter. Criteria: LabCorp Variant Classification Summary - May 2015. Collection method: clinical testing. Allele origin: germline. Not counted in ClinVar's aggregate classification.

Color Diagnostics, LLC DBA Color Health
Classification: Likely benign for Hereditary cancer-predisposing syndrome. Last evaluated: 2016-06-30. Review status: criteria provided, single submitter. Criteria: ACMG Guidelines, 2015. Collection method: clinical testing. Allele origin: germline. Not counted in ClinVar's aggregate classification.

BRCAlab, Lund University
Classification: Benign for Breast-ovarian cancer, familial, susceptibility to, 2. Last evaluated: 2020-03-02. Review status: no assertion criteria provided. Collection method: clinical testing. Allele origin: germline. Affected: yes. Not counted in ClinVar's aggregate classification.

Sharing Clinical Reports Project (SCRP)
Classification: Benign for Breast-ovarian cancer, familial 2. Last evaluated: 2012-05-01. Review status: no assertion criteria provided. Collection method: clinical testing. Allele origin: germline. Not counted in ClinVar's aggregate classification.

Breast Cancer Information Core (BIC) (BRCA2)
Classification: Uncertain significance for Breast-ovarian cancer, familial 2. Last evaluated: 2002-05-29. Review status: no assertion criteria provided. Collection method: clinical testing. Allele origin: germline. Affected: yes. Observed: 8 variant alleles. Not counted in ClinVar's aggregate classification.

Literature cited by the submitters: PubMed 31131967 (cited by Evidence-based Network for the Interpretation of Germline Mutant Alleles (ENIGMA) and Quest Diagnostics Nichols Institute San Juan Capistrano); PubMed 32772980 (cited by Quest Diagnostics Nichols Institute San Juan Capistrano); PubMed 20104584 (cited by Quest Diagnostics Nichols Institute San Juan Capistrano and Women's Health and Genetics/Laboratory Corporation of America, LabCorp); PubMed 26733283 (cited by Quest Diagnostics Nichols Institute San Juan Capistrano); PubMed 21520273 (cited by Quest Diagnostics Nichols Institute San Juan Capistrano and Women's Health and Genetics/Laboratory Corporation of America, LabCorp); PubMed 22476429 (cited by Quest Diagnostics Nichols Institute San Juan Capistrano and Women's Health and Genetics/Laboratory Corporation of America, LabCorp); PubMed 24326041 (cited by Women's Health and Genetics/Laboratory Corporation of America, LabCorp); PubMed 20167696 (cited by Women's Health and Genetics/Laboratory Corporation of America, LabCorp).